The following is an entry in ClinVar:

ClinVar aggregate classification (germline): Conflicting classifications of pathogenicity. Review status: criteria provided, conflicting classifications (1 of 4 stars). 4 submissions from 4 submitters: Likely pathogenic (1); Uncertain significance (2). 1 of the submissions does not count toward it. Last evaluated 2025-02-10.

Conditions:
EIF2AK2-related disorder. Also called: EIF2AK2-related condition.
Leukoencephalopathy, developmental delay, and episodic neurologic regression syndrome. Also called: LEUDEN SYNDROME. Identifiers: MedGen C5394367, MONDO:0030035, OMIM 618877.

Submissions (4):

Dasa
Classification: Likely pathogenic. Last evaluated: 2025-02-10. Review status: criteria provided, single submitter. Criteria: DASA Assertion Criteria. Collection method: clinical testing. Allele origin: germline.
Comment: NM_001135651.3(EIF2AK2):c.31A>C (p.Met11Leu) is a missense variant that results in the substitution of methionine with leucine. This variant has been reported in individuals with EIF2AK2-related disorders (PMID: 32197074). This variant has been reported as a de novo occurrence in an affected individual (PMID: 32197074). Also, this variant is absent from population databases. Based on the currently available evidence, this variant is classified as likely pathogenic.

SIB Swiss Institute of Bioinformatics
Classification: Uncertain significance for Leukoencephalopathy, developmental delay, and episodic neurologic regression syndrome. Last evaluated: 2020-12-18. Review status: criteria provided, single submitter. Criteria: ACMG Guidelines, 2015. Collection method: curation. Allele origin: unknown.
Comment: This variant is interpreted as a variant of uncertain significance for Leukoencephalopathy, developmental delay, and episodic neurologic regression syndrome, autosomal dominant The following ACMG Tag(s) were applied: Absent from controls (or at extremely low frequency if recessive) in Exome Sequencing Project, 1000 Genomes Project, or Exome Aggregation Consortium (PM2); de novo variant (PS2 downgraded to moderate); Well-established functional studies show a deleterious effect (PS3 downgraded to supporting); Multiple lines of computational evidence suggest no impact on gene or gene product (BP4).

Undiagnosed Diseases Network, NIH
Classification: Uncertain significance for EIF2AK2-related condition. Last evaluated: 2016-09-23. Review status: criteria provided, single submitter. Criteria: ACMG Guidelines, 2015. Collection method: clinical testing. Allele origin: de novo. Inheritance: Autosomal dominant inheritance. Affected: yes. Observed: 1 variant allele, 1 heterozygote.

OMIM
Classification: Pathogenic for LEUKOENCEPHALOPATHY, DEVELOPMENTAL DELAY, AND EPISODIC NEUROLOGIC REGRESSION SYNDROME. Last evaluated: 2022-02-10. Review status: no assertion criteria provided. Collection method: literature only. Allele origin: germline. Not counted in ClinVar's aggregate classification.

Literature cited by the submitters: PubMed 32197074 (cited by Dasa and SIB Swiss Institute of Bioinformatics); Mao, D., Reuter, C. M., Ruzhnikov, M. R. Z., Beck, A. E., Farrow, E. G., Emrick, L. T., Rosenfeld, J. A., Mackenzie, K. M., Robak, L., Wheeler, M. T., Burrage, L. C., Jain, M., and 20 others De novo EIF2AK1 and EIF2AK2 variants are associated with developmental delay, leukoencephalopathy, and neurologic decompensation. Am. J. Hum. Genet. 106: 570-583, 2020. (cited by OMIM).

NM_001135651.3(EIF2AK2):c.31A>C (p.Met11Leu)

Gene: EIF2AK2 (eukaryotic translation initiation factor 2 alpha kinase 2; minus strand). Cytogenetic location: 2p22.2.
Variant type: single nucleotide variant.
Coding change: c.31A>C on transcript NM_001135651.3 (MANE Select); coding-DNA position 31, A replaced by C.
Protein change: p.Met11Leu; replaces methionine 11 with leucine.
Molecular consequence: missense variant.
Genome position (GRCh38, 1-based): chr2:37,147,776, T>G on the plus strand (A>C on the coding strand, the complement: EIF2AK2 is on the minus strand). VCF-style: chr2-37147776-T-G. GRCh37 (hg19) VCF-style: chr2-37374919-T-G.
Other names: c.31A>C, p.Met11Leu (NM_001135652.3, NM_002759.4); short protein forms M11L.
Identifiers: ClinVar variation 804246 (VCV000804246.8), dbSNP rs1363544084, ClinGen allele CA346323328.